The following is an entry in ClinVar:

ClinVar aggregate classification (germline): Uncertain significance (1 of 4 stars; one submission).

Conditions:
Baller-Gerold syndrome (BGS). Also called: CRANIOSYNOSTOSIS WITH RADIAL DEFECTS. Identifiers: Orphanet 1225, MedGen C0265308, MONDO:0009039, OMIM 218600.

Allele frequency attached by ClinVar (database versions not stated): ExAC below 0.00001.

Submission:

Labcorp Genetics (formerly Invitae), Labcorp
Classification: Uncertain significance for Baller-Gerold syndrome. Last evaluated: 2019-10-19. Review status: criteria provided, single submitter. Criteria: Invitae Variant Classification Sherloc (09022015). Collection method: clinical testing. Allele origin: germline.
Comment: The frequency data for this variant in the population databases is considered unreliable, as metrics indicate poor data quality at this position in the ExAC database. In summary, the available evidence is currently insufficient to determine the role of this variant in disease. Therefore, it has been classified as a Variant of Uncertain Significance. Algorithms developed to predict the effect of missense changes on protein structure and function are either unavailable or do not agree on the potential impact of this missense change (SIFT: "Deleterious"; PolyPhen-2: "Not Available"; Align-GVGD: "Class C0"). This variant has not been reported in the literature in individuals with RECQL4-related conditions. This sequence change replaces lysine with glutamic acid at codon 261 of the RECQL4 protein (p.Lys261Glu). The lysine residue is highly conserved and there is a small physicochemical difference between lysine and glutamic acid.

NM_004260.4(RECQL4):c.781A>G (p.Lys261Glu)

Gene: RECQL4 (RecQ like helicase 4; minus strand). Cytogenetic location: 8q24.3.
Variant type: single nucleotide variant.
Coding change: c.781A>G on transcript NM_004260.4 (MANE Select); coding-DNA position 781, A replaced by G.
Protein change: p.Lys261Glu; replaces lysine 261 with glutamic acid.
Molecular consequence: missense variant.
Genome position (GRCh38, 1-based): chr8:144,516,338, T>C on the plus strand (A>G on the coding strand, the complement: RECQL4 is on the minus strand). VCF-style: chr8-144516338-T-C. GRCh37 (hg19) VCF-style: chr8-145741722-T-C.
Other names: short protein forms K261E.
Identifiers: ClinVar variation 956759 (VCV000956759.5), dbSNP rs756268379, ClinGen allele CA4949181.
Genomic context (GRCh38, chr8:144,516,338, plus strand): 5'-GGCTGCTCTCCTGCTGGACCTGTGCGGGGCTCTCCCAGGGCTCCTCGTTCCATCTCCGCT[T>C]CTCGCCTCCACTGCTGCTGGGCTGGGGGCTCCCCACACGGATGCTGACTTCTTGGAAGGC-3'
Protein context (NP_004251.4, residues 251-271): SPQPSSSGGE[Lys261Glu]RRWNEEPWES